The following is an entry in ClinVar:

NM_015512.5(DNAH1):c.12589G>A (p.Val4197Ile)

Gene: DNAH1 (dynein axonemal heavy chain 1; plus strand). Cytogenetic location: 3p21.1.
Variant type: single nucleotide variant.
Coding change: c.12589G>A on transcript NM_015512.5 (MANE Select); coding-DNA position 12589, G replaced by A.
Protein change: p.Val4197Ile; replaces valine 4197 with isoleucine.
Molecular consequence: missense variant.
Genome position (GRCh38, 1-based): chr3:52,399,692, G>A. VCF-style: chr3-52399692-G-A. GRCh37 (hg19) VCF-style: chr3-52433708-G-A.
Other names: short protein forms V4197I.
Identifiers: ClinVar variation 2037299 (VCV002037299.3), dbSNP rs771064609, ClinGen allele CA2436514.

ClinVar aggregate classification (germline): Uncertain significance. Review status: criteria provided, multiple submitters, no conflicts (2 of 4 stars). 2 submissions from 2 submitters: Uncertain significance (2). Last evaluated 2022-03-29.

Conditions:
Spermatogenic failure 18. Identifiers: MedGen C4539783, MONDO:0054615, OMIM 617576.
Ciliary dyskinesia, primary, 37 (CILD37). Also called: CILIARY DYSKINESIA, PRIMARY, 37, WITH OR WITHOUT SITUS INVERSUS. Identifiers: MedGen C4539798, MONDO:0033204, OMIM 617577.

Allele frequency attached by ClinVar (database versions not stated): gnomAD 0.00001; gnomAD exomes 0.00002; TOPMed 0.00004; ExAC 0.00005.
gnomAD v4.1: 29 of 1,613,908 alleles (0.0018%); highest among the groups gnomAD compares: Middle Eastern, 0.016%; no homozygotes.

Submissions (2):

Ambry Genetics
Classification: Uncertain significance. Last evaluated: 2022-03-29. Review status: criteria provided, single submitter. Criteria: Ambry Variant Classification Scheme 2023. Collection method: clinical testing. Allele origin: germline.

Labcorp Genetics (formerly Invitae), Labcorp
Classification: Uncertain significance for Ciliary dyskinesia, primary, 37; Spermatogenic failure 18. Last evaluated: 2022-02-07. Review status: criteria provided, single submitter. Criteria: Invitae Variant Classification Sherloc (09022015). Collection method: clinical testing. Allele origin: germline.
Comment: This sequence change replaces valine, which is neutral and non-polar, with isoleucine, which is neutral and non-polar, at codon 4197 of the DNAH1 protein (p.Val4197Ile). This variant is present in population databases (rs771064609, gnomAD 0.02%). This variant has not been reported in the literature in individuals affected with DNAH1-related conditions. Algorithms developed to predict the effect of missense changes on protein structure and function output the following: SIFT: "Deleterious"; PolyPhen-2: "Benign"; Align-GVGD: "Class C0". The isoleucine amino acid residue is found in multiple mammalian species, which suggests that this missense change does not adversely affect protein function. In summary, the available evidence is currently insufficient to determine the role of this variant in disease. Therefore, it has been classified as a Variant of Uncertain Significance.